The following is an entry in ClinVar:

NM_001037.5(SCN1B):c.-31G>A

Gene: SCN1B (sodium voltage-gated channel beta subunit 1; plus strand). Cytogenetic location: 19q13.11.
Variant type: single nucleotide variant.
Coding change: c.-31G>A on transcript NM_001037.5 (MANE Select); 31 bases upstream of the start codon, G replaced by A.
Molecular consequence: 5 prime UTR variant.
Genome position (GRCh38, 1-based): chr19:35,030,790, G>A. VCF-style: chr19-35030790-G-A. GRCh37 (hg19) VCF-style: chr19-35521694-G-A.
Other names: c.-31G>A (NM_199037.5).
Identifiers: ClinVar variation 516623 (VCV000516623.5), dbSNP rs776361009, ClinGen allele CA9371930.
Genomic context (GRCh38, chr19:35,030,790, plus strand): 5'-GACATTCTAACCGCCGCCAGGTCCCGCCGCCTCTCGCCCCGCTATTAATACCGGCGGCCC[G>A]GGAGGGGGGCGCAGCACGCGCCGCGCAGCCATGGGGAGGCTGCTGGCCTTAGTGGTCGGC-3'

ClinVar aggregate classification (germline): Conflicting classifications of pathogenicity. Review status: criteria provided, conflicting classifications (1 of 4 stars). 3 submissions from 2 submitters: Uncertain significance (2); Likely benign (1). Last evaluated 2018-03-02.

Conditions:
Brugada syndrome 5 (BRGDA5). Identifiers: Orphanet 130, Orphanet 871, MedGen C2748541, MONDO:0013015, OMIM 612838.
Generalized epilepsy with febrile seizures plus, type 1 (GEFSP1). Also called: GEFS+, TYPE 1. Identifiers: Orphanet 36387, MedGen C1858672, MONDO:0011416, OMIM 604233.

Allele frequency attached by ClinVar (database versions not stated): ExAC below 0.00001; gnomAD exomes below 0.00001; gnomAD 0.00001; TOPMed 0.00005.

Submissions (3):

Illumina Laboratory Services, Illumina
Classification: Uncertain significance for Brugada syndrome 5. Last evaluated: 2018-03-02. Review status: criteria provided, single submitter. Criteria: ICSL Variant Classification Criteria 13 December 2019. Collection method: clinical testing. Allele origin: germline.

Illumina Laboratory Services, Illumina
Classification: Uncertain significance for Generalized epilepsy with febrile seizures plus, type 1. Last evaluated: 2018-03-02. Review status: criteria provided, single submitter. Criteria: ICSL Variant Classification Criteria 13 December 2019. Collection method: clinical testing. Allele origin: germline.

GeneDx
Classification: Likely benign. Last evaluated: 2017-10-05. Review status: criteria provided, single submitter. Criteria: GeneDx Variant Classification (06012015). Collection method: clinical testing. Allele origin: germline. Affected: yes.
Comment: This variant is considered likely benign or benign based on one or more of the following criteria: it is a conservative change, it occurs at a poorly conserved position in the protein, it is predicted to be benign by multiple in silico algorithms, and/or has population frequency not consistent with disease.